The following is an entry in ClinVar:

ClinVar aggregate classification (germline): Uncertain significance (1 of 4 stars; one submission).

gnomAD v4.1: 31 of 1,614,022 alleles (0.0019%); highest among the groups gnomAD compares: Non-Finnish European, 0.0025%; no homozygotes.

Submission:

Labcorp Genetics (formerly Invitae), Labcorp
Classification: Uncertain significance. Last evaluated: 2025-07-09. Review status: criteria provided, single submitter. Criteria: Invitae Variant Classification Sherloc (09022015). Collection method: clinical testing. Allele origin: germline.
Comment: This sequence change replaces alanine, which is neutral and non-polar, with serine, which is neutral and polar, at codon 1060 of the POLR1A protein (p.Ala1060Ser). This variant is present in population databases (no rsID available, gnomAD 0.0009%). This variant has not been reported in the literature in individuals affected with POLR1A-related conditions. Invitae Evidence Modeling of protein sequence and biophysical properties (such as structural, functional, and spatial information, amino acid conservation, physicochemical variation, residue mobility, and thermodynamic stability) indicates that this missense variant is not expected to disrupt POLR1A protein function with a negative predictive value of 80%. In summary, the available evidence is currently insufficient to determine the role of this variant in disease. Therefore, it has been classified as a Variant of Uncertain Significance.

NM_015425.6(POLR1A):c.3178G>T (p.Ala1060Ser)

Gene: POLR1A (RNA polymerase I subunit A; minus strand). Cytogenetic location: 2p11.2.
Variant type: single nucleotide variant.
Coding change: c.3178G>T on transcript NM_015425.6 (MANE Select); coding-DNA position 3178, G replaced by T.
Protein change: p.Ala1060Ser; replaces alanine 1060 with serine.
Molecular consequence: missense variant.
Genome position (GRCh38, 1-based): chr2:86,043,153, C>A on the plus strand (G>T on the coding strand, the complement: POLR1A is on the minus strand). VCF-style: chr2-86043153-C-A. GRCh37 (hg19) VCF-style: chr2-86270276-C-A.
Other names: short protein forms A1060S.
Identifiers: ClinVar variation 4806101 (VCV004806101.1).
Genomic context (GRCh38, chr2:86,043,153, plus strand): 5'-GGTGCTTGCTTTGCCATTTTTTGATAGCTCTGAAGTGGTGGAGAGCTTTTTTGGGATCTG[C>A]TCTGGATAAAACTTCATGGAGATGCTGTGATTTCATTATCACCTAAACAAACAAACAAAA-3'
Protein context (NP_056240.2, residues 1050-1070): SQHLHEVLSR[Ala1060Ser]DPKKALHHFR